The following is an entry in ClinVar:

NM_000525.4(KCNJ11):c.1000G>A (p.Gly334Ser)

Gene: KCNJ11 (potassium inwardly rectifying channel subfamily J member 11; minus strand). Cytogenetic location: 11p15.1.
Variant type: single nucleotide variant.
Coding change: c.1000G>A on transcript NM_000525.4 (MANE Select); coding-DNA position 1000, G replaced by A.
Protein change: p.Gly334Ser; replaces glycine 334 with serine.
Molecular consequence: missense variant.
Genome position (GRCh38, 1-based): chr11:17,387,092, C>T on the plus strand (G>A on the coding strand, the complement: KCNJ11 is on the minus strand). VCF-style: chr11-17387092-C-T. GRCh37 (hg19) VCF-style: chr11-17408639-C-T.
Other names: c.739G>A, p.Gly247Ser (NM_001166290.2, NM_001377296.1, NM_001377297.1); short protein forms G247S, G334S.
Identifiers: ClinVar variation 4682447 (VCV004682447.1).

ClinVar aggregate classification (germline): Likely pathogenic (1 of 4 stars; one submission).

Submission:

Athena Diagnostics
Classification: Likely pathogenic. Last evaluated: 2025-01-09. Review status: criteria provided, single submitter. Criteria: Athena Diagnostics Criteria. Collection method: clinical testing. Allele origin: unknown.
Comment: This variant has not been reported in large, multi-ethnic general populations. This variant has been identified in at least one individual with clinical features associated with permanent neonatal diabetes mellitus (PNDM). Multiple missense variants at this codon have been reported in individuals with clinical features associated with this gene. At least one of those variants is considered to be pathogenic or likely pathogenic, suggesting this variant also causes disease. Polyphen and MutationTaster predict this amino acid change may be damaging to the protein.

Literature cited by the submitters: PubMed 32027066.